The following is an entry in ClinVar:

ClinVar aggregate classification (germline): Likely pathogenic (1 of 4 stars; one submission).

Submission:

Dasa
Classification: Likely pathogenic. Last evaluated: 2024-10-04. Review status: criteria provided, single submitter. Criteria: DASA Assertion Criteria. Collection method: clinical testing. Allele origin: germline.
Comment: NM_015335.5(MED13L):c.1065del (p.Met356*) is a frameshift variant in MED13L predicted to alter the reading frame and introduce a premature termination codon and is predicted to result in an absent or altered protein product. Loss of function is an established disease mechanism for MED13L (PMID: 24781760; PMID: 25712080; PMID: 25106414). Also, this variant is absent from population databases. Based on the currently available evidence, this variant is classified as likely pathogenic.

Literature cited by the submitters: PubMed 24781760; PubMed 25712080; PubMed 25106414.

NM_015335.5(MED13L):c.1065del (p.Gly355_Met356insTer)

Gene: MED13L (mediator complex subunit 13L; minus strand). Cytogenetic location: 12q24.21.
Variant type: Deletion.
Coding change: c.1065del on transcript NM_015335.5 (MANE Select); coding-DNA position 1065, one base deleted (G; older notation c.1065delG).
Protein change: p.Gly355_Met356insTer.
Molecular consequence: frameshift variant.
Genome position (GRCh38, 1-based): chr12:116,015,219, C deleted on the plus strand (G on the coding strand, the reverse complement: MED13L is on the minus strand); the first of 3 consecutive C bases (chr12:116,015,219-116,015,221); deleting any one gives the same sequence. VCF-style (leftmost placement, unchanged base first): chr12-116015218-TC-T. GRCh37 (hg19) VCF-style: chr12-116453023-TC-T.
Identifiers: ClinVar variation 4880594 (VCV004880594.2).